The following is an entry in ClinVar:

NM_014806.5(RUSC2):c.1688G>A (p.Arg563His)

Gene: RUSC2 (RUN and SH3 domain containing 2; plus strand). Cytogenetic location: 9p13.3.
Variant type: single nucleotide variant.
Coding change: c.1688G>A on transcript NM_014806.5 (MANE Select); coding-DNA position 1688, G replaced by A.
Protein change: p.Arg563His; replaces arginine 563 with histidine.
Molecular consequence: missense variant. On other transcripts: non-coding transcript variant (1), intron variant (1).
Genome position (GRCh38, 1-based): chr9:35,548,209, G>A. VCF-style: chr9-35548209-G-A. GRCh37 (hg19) VCF-style: chr9-35548206-G-A.
Other names: c.1688G>A, p.Arg563His (NM_001135999.2); c.-620-6851G>A (NM_001330740.2); c.1688G>A (NM_001135999.1); short protein forms R563H.
Identifiers: ClinVar variation 1443240 (VCV001443240.6), dbSNP rs765036445, ClinGen allele CA5043713.

ClinVar aggregate classification (germline): Uncertain significance. Review status: criteria provided, multiple submitters, no conflicts (2 of 4 stars). 2 submissions from 2 submitters: Uncertain significance (2). Last evaluated 2025-04-03.

Allele frequency attached by ClinVar (database versions not stated): ExAC 0.00004; gnomAD 0.00003; TOPMed 0.00005; gnomAD exomes 0.00006.
gnomAD v4.1: 45 of 1,613,178 alleles (0.0028%); highest among the groups gnomAD compares: Admixed American, 0.037%; no homozygotes.

Submissions (2):

Ambry Genetics
Classification: Uncertain significance. Last evaluated: 2025-04-03. Review status: criteria provided, single submitter. Criteria: Ambry Variant Classification Scheme 2023. Collection method: clinical testing. Allele origin: germline.

Labcorp Genetics (formerly Invitae), Labcorp
Classification: Uncertain significance. Last evaluated: 2024-08-12. Review status: criteria provided, single submitter. Criteria: Invitae Variant Classification Sherloc (09022015). Collection method: clinical testing. Allele origin: germline.
Comment: This sequence change replaces arginine, which is basic and polar, with histidine, which is basic and polar, at codon 563 of the RUSC2 protein (p.Arg563His). This variant is present in population databases (rs765036445, gnomAD 0.03%). This variant has not been reported in the literature in individuals affected with RUSC2-related conditions. ClinVar contains an entry for this variant (Variation ID: 1443240). An algorithm developed to predict the effect of missense changes on protein structure and function (PolyPhen-2) suggests that this variant is likely to be disruptive. In summary, the available evidence is currently insufficient to determine the role of this variant in disease. Therefore, it has been classified as a Variant of Uncertain Significance.